The following is an entry in ClinVar:

NM_000059.4(BRCA2):c.8123C>T (p.Thr2708Ile)

Gene: BRCA2 (BRCA2 DNA repair associated; plus strand). Cytogenetic location: 13q13.1.
Variant type: single nucleotide variant.
Coding change: c.8123C>T on transcript NM_000059.4 (MANE Select); coding-DNA position 8123, C replaced by T.
Protein change: p.Thr2708Ile; replaces threonine 2708 with isoleucine.
Molecular consequence: missense variant.
Genome position (GRCh38, 1-based): chr13:32,363,325, C>T. VCF-style: chr13-32363325-C-T. GRCh37 (hg19) VCF-style: chr13-32937462-C-T.
Other names: short protein forms T2708I.
Identifiers: ClinVar variation 630958 (VCV000630958.7), dbSNP rs1566245492, ClinGen allele CA387749396.

ClinVar aggregate classification (germline): Uncertain significance. Review status: criteria provided, multiple submitters, no conflicts (2 of 4 stars). 3 submissions from 3 submitters: Uncertain significance (3). Last evaluated 2024-03-07.

Conditions:
Hereditary cancer-predisposing syndrome. Also called: Hereditary Cancer Syndrome; Hereditary neoplastic syndrome; Tumor predisposition; Neoplastic Syndromes, Hereditary. Identifiers: Orphanet 140162, MedGen C0027672, MeSH D009386, MONDO:0015356.
Hereditary breast ovarian cancer syndrome. Also called: Hereditary breast and/or ovarian cancer syndrome; BRCA1- and BRCA2-Associated Hereditary Breast and Ovarian Cancer; Hereditary breast and ovarian cancer syndrome; Hereditary breast and ovarian cancer; Hereditary breast and ovarian cancer syndrome (HBOC); Breast and ovarian cancer. Identifiers: Orphanet 145, MedGen C0677776, MeSH D061325, MONDO:0003582. Disease mechanism: loss of function.
Breast-ovarian cancer, familial, susceptibility to, 2 (BROVCA2). Also called: BRCA2 Hereditary Breast and Ovarian Cancer. Identifiers: Orphanet 145, MedGen C2675520, MONDO:0012933, OMIM 612555. Disease mechanism: loss of function.
Wilms tumor 1 (WT1). Also called: Wilms tumor, somatic. Identifiers: Orphanet 654, MedGen CN033288, MONDO:0008679, OMIM 194070.
Pancreatic cancer, susceptibility to, 2. Identifiers: Orphanet 1333, MedGen C3150546, MONDO:0013235, OMIM 613347.
Glioma susceptibility 3 (GLM3). Also called: Glioblastoma 3. Identifiers: Orphanet 182067, Orphanet 360, MedGen C2751641, MONDO:0013093, OMIM 613029.
Familial prostate cancer. Also called: Hereditary Prostate Cancer. Identifiers: MedGen C2931456, MONDO:0700275, OMIM 176807.
Familial cancer of breast. Also called: Hereditary breast cancer; BREAST CANCER, FAMILIAL; hereditary breast carcinoma. Identifiers: Orphanet 227535, MedGen C0346153, MONDO:0016419, OMIM 114480. Disease mechanism: loss of function.
Medulloblastoma (MDB). Also called: MEDULLOBLASTOMA PREDISPOSITION SYNDROME; Medulloblastoma, somatic. Identifiers: Orphanet 616, MedGen C0025149, MeSH D008527, MONDO:0007959, OMIM 155255, HP:0002885.
Fanconi anemia complementation group D1. Also called: BRCA2-Related Fanconi Anemia. Identifiers: Orphanet 319462, MedGen C1838457, MONDO:0011584, OMIM 605724.

Allele frequency attached by ClinVar (database versions not stated): gnomAD exomes below 0.00001.
gnomAD v4.1: 2 of 1,614,148 alleles (0.00012%); highest among the groups gnomAD compares: South Asian, 0.0022%; no homozygotes.

Submissions (3):

Fulgent Genetics
Classification: Uncertain significance for Familial cancer of breast; Medulloblastoma; Familial prostate cancer; Wilms tumor 1; Fanconi anemia complementation group D1; Breast-ovarian cancer, familial, susceptibility to, 2; Glioma susceptibility 3; Pancreatic cancer, susceptibility to, 2. Last evaluated: 2024-03-07. Review status: criteria provided, single submitter. Criteria: ACMG Guidelines, 2015. Collection method: clinical testing. Allele origin: germline.

Labcorp Genetics (formerly Invitae), Labcorp
Classification: Uncertain significance for Hereditary breast ovarian cancer syndrome. Last evaluated: 2023-05-02. Review status: criteria provided, single submitter. Criteria: Invitae Variant Classification Sherloc (09022015). Collection method: clinical testing. Allele origin: germline.
Comment: Advanced modeling of protein sequence and biophysical properties (such as structural, functional, and spatial information, amino acid conservation, physicochemical variation, residue mobility, and thermodynamic stability) performed at Invitae indicates that this missense variant is not expected to disrupt BRCA2 protein function. In summary, the available evidence is currently insufficient to determine the role of this variant in disease. Therefore, it has been classified as a Variant of Uncertain Significance. ClinVar contains an entry for this variant (Variation ID: 630958). This sequence change replaces threonine, which is neutral and polar, with isoleucine, which is neutral and non-polar, at codon 2708 of the BRCA2 protein (p.Thr2708Ile). This variant is not present in population databases (gnomAD no frequency). This variant has not been reported in the literature in individuals affected with BRCA2-related conditions.

Color Diagnostics, LLC DBA Color Health
Classification: Uncertain significance for Hereditary cancer-predisposing syndrome. Last evaluated: 2019-06-20. Review status: criteria provided, single submitter. Criteria: ACMG Guidelines, 2015. Collection method: clinical testing. Allele origin: germline.